The following is an entry in ClinVar:

ClinVar aggregate classification (germline): Likely benign. Review status: criteria provided, multiple submitters, no conflicts (2 of 4 stars). 2 submissions from 2 submitters: Likely benign (2). Last evaluated 2023-05-26.

Conditions:
Glycogen storage disease, type II (IOPD). Also called: Glucosidase acid-1,4-alpha deficiency; Pompe Disease; POMPE DISEASE, INFANTILE-ONSET; GLYCOGEN STORAGE DISEASE II, INFANTILE-ONSET; ACID ALPHA-GLUCOSIDASE DEFICIENCY, INFANTILE-ONSET; GAA DEFICIENCY, INFANTILE-ONSET. Identifiers: Orphanet 365, MedGen C0017921, MONDO:0009290, OMIM 232300.

Submissions (2):

Labcorp Genetics (formerly Invitae), Labcorp
Classification: Likely benign for Glycogen storage disease, type II. Last evaluated: 2023-05-26. Review status: criteria provided, single submitter. Criteria: Invitae Variant Classification Sherloc (09022015). Collection method: clinical testing. Allele origin: germline.

GeneDx
Classification: Likely benign. Last evaluated: 2016-06-30. Review status: criteria provided, single submitter. Criteria: GeneDx Variant Classification (06012015). Collection method: clinical testing. Allele origin: germline. Affected: yes.
Comment: This variant is considered likely benign or benign based on one or more of the following criteria: it is a conservative change, it occurs at a poorly conserved position in the protein, it is predicted to be benign by multiple in silico algorithms, and/or has population frequency not consistent with disease.

NM_000152.5(GAA):c.297C>G (p.Thr99=)

Gene: GAA (alpha glucosidase; plus strand). Cytogenetic location: 17q25.3.
Variant type: single nucleotide variant.
Coding change: c.297C>G on transcript NM_000152.5 (MANE Select); coding-DNA position 297, C replaced by G.
Protein change: p.Thr99=; no amino-acid change (threonine 99 retained).
Molecular consequence: synonymous variant.
Genome position (GRCh38, 1-based): chr17:80,104,883, C>G. VCF-style: chr17-80104883-C-G. GRCh37 (hg19) VCF-style: chr17-78078682-C-G.
Other names: c.297C>G, p.Thr99= (NM_001079803.3, NM_001079804.3); c.297C>G (LRG_673t1).
Identifiers: ClinVar variation 386720 (VCV000386720.4), dbSNP rs771846178, ClinGen allele CA16607528.